The following is an entry in ClinVar:

NM_001035.3(RYR2):c.4669T>C (p.Leu1557=)

Gene: RYR2 (ryanodine receptor 2; plus strand). Cytogenetic location: 1q43.
Variant type: single nucleotide variant.
Coding change: c.4669T>C on transcript NM_001035.3 (MANE Select); coding-DNA position 4669, T replaced by C.
Protein change: p.Leu1557=; no amino-acid change (leucine 1557 retained).
Molecular consequence: synonymous variant.
Genome position (GRCh38, 1-based): chr1:237,602,097, T>C. VCF-style: chr1-237602097-T-C. GRCh37 (hg19) VCF-style: chr1-237765397-T-C.
Identifiers: ClinVar variation 1160204 (VCV001160204.13), dbSNP rs947233100, ClinGen allele CA39815893.

ClinVar aggregate classification (germline): Likely benign. Review status: criteria provided, multiple submitters, no conflicts (2 of 4 stars). 3 submissions from 3 submitters: Likely benign (3). Last evaluated 2023-12-13.

Conditions:
Cardiovascular phenotype. Identifiers: MedGen CN230736.
Catecholaminergic polymorphic ventricular tachycardia (CVPT). Also called: Catecholamine-induced polymorphic ventricular tachycardia. Identifiers: Orphanet 3286, MedGen C5574922, MONDO:0017990.
Catecholaminergic polymorphic ventricular tachycardia 1. Also called: VENTRICULAR TACHYCARDIA, CATECHOLAMINERGIC POLYMORPHIC, 1, WITH OR WITHOUT ATRIAL DYSFUNCTION AND/OR DILATED CARDIOMYOPATHY; VENTRICULAR TACHYCARDIA, STRESS-INDUCED POLYMORPHIC 1; RYR2-Related Catecholaminergic Polymorphic Ventricular Tachycardia. Identifiers: Orphanet 3286, MedGen C1631597, MONDO:0011484, OMIM 604772.

Allele frequency attached by ClinVar (database versions not stated): gnomAD exomes below 0.00001; TOPMed 0.00001.
gnomAD v4.1: 2 of 1,612,460 alleles (0.00012%); highest among the groups gnomAD compares: African/African-American, 0.0027%; no homozygotes.

Submissions (3):

All of Us Research Program, National Institutes of Health
Classification: Likely benign for Catecholaminergic polymorphic ventricular tachycardia. Last evaluated: 2023-12-13. Review status: criteria provided, single submitter. Criteria: ACMG Guidelines, 2015. Collection method: clinical testing. Allele origin: germline. Inheritance: Autosomal dominant inheritance. Observed: 1 variant allele, 1 heterozygote.
Comment: This study involves interpretation of variants in research participants for the purpose of population health screening. Participant phenotype was not available at the time of variant classification. Additional details can be found in publication PMID: 35346344, PMCID: PMC8962531

Labcorp Genetics (formerly Invitae), Labcorp
Classification: Likely benign for Catecholaminergic polymorphic ventricular tachycardia 1. Last evaluated: 2023-02-04. Review status: criteria provided, single submitter. Criteria: Invitae Variant Classification Sherloc (09022015). Collection method: clinical testing. Allele origin: germline.

Ambry Genetics
Classification: Likely benign for Cardiovascular phenotype. Last evaluated: 2020-09-21. Review status: criteria provided, single submitter. Criteria: Ambry Variant Classification Scheme 2023. Collection method: clinical testing. Allele origin: germline.